The following is an entry in ClinVar:

ClinVar aggregate classification (germline): Uncertain significance (1 of 4 stars; one submission).

Conditions:
Cardiovascular phenotype. Identifiers: MedGen CN230736.

Submission:

Ambry Genetics
Classification: Uncertain significance for Cardiovascular phenotype. Last evaluated: 2020-09-09. Review status: criteria provided, single submitter. Criteria: Ambry Variant Classification Scheme 2023. Collection method: clinical testing. Allele origin: germline.
Comment: The p.G1253D variant (also known as c.3758G>A), located in coding exon 18 of the MYPN gene, results from a G to A substitution at nucleotide position 3758. The glycine at codon 1253 is replaced by aspartic acid, an amino acid with similar properties. This amino acid position is highly conserved in available vertebrate species. In addition, this alteration is predicted to be deleterious by in silico analysis. Since supporting evidence is limited at this time, the clinical significance of this alteration remains unclear.

NM_032578.4(MYPN):c.3758G>A (p.Gly1253Asp)

Gene: MYPN (myopalladin; plus strand). Cytogenetic location: 10q21.3.
Variant type: single nucleotide variant.
Coding change: c.3758G>A on transcript NM_032578.4 (MANE Select); coding-DNA position 3758, G replaced by A.
Protein change: p.Gly1253Asp; replaces glycine 1253 with aspartic acid.
Molecular consequence: missense variant. On other transcripts: non-coding transcript variant (2).
Genome position (GRCh38, 1-based): chr10:68,206,868, G>A. VCF-style: chr10-68206868-G-A. GRCh37 (hg19) VCF-style: chr10-69966625-G-A.
Other names: c.3758G>A, p.Gly1253Asp (NM_001256267.2); c.2876G>A, p.Gly959Asp (NM_001256268.2); short protein forms G959D, G1253D.
Identifiers: ClinVar variation 1734616 (VCV001734616.2), dbSNP rs1589619360, ClinGen allele CA376828632.
Genomic context (GRCh38, chr10:68,206,868, plus strand): 5'-TTCAGCCAGCCAAGAAATCAGACGCTGGATGGTACACGTTGTCAGCCAAGAATGAAGCCG[G>A]CATCGTGTCGTGCACTGCCAGGCTGGATATATACGGTAAGTGTAATGCTGTTAGTTGAAC-3'
Protein context (NP_115967.2, residues 1243-1263): WYTLSAKNEA[Gly1253Asp]IVSCTARLDI